The following is an entry in ClinVar:

NM_001395656.1(ROBO2):c.4394G>A (p.Ser1465Asn)

Gene: ROBO2 (roundabout guidance receptor 2; plus strand). Cytogenetic location: 3p12.3.
Variant type: single nucleotide variant.
Coding change: c.4394G>A on transcript NM_001395656.1 (MANE Select); coding-DNA position 4394, G replaced by A.
Protein change: p.Ser1465Asn; replaces serine 1465 with asparagine.
Molecular consequence: missense variant.
Genome position (GRCh38, 1-based): chr3:77,644,878, G>A. VCF-style: chr3-77644878-G-A. GRCh37 (hg19) VCF-style: chr3-77694029-G-A.
Other names: c.4157G>A, p.Ser1386Asn (NM_001128929.3); c.4121G>A, p.Ser1374Asn (NM_001290039.2); c.4304G>A, p.Ser1435Asn (NM_001290040.2, NM_001395657.1); c.2330G>A, p.Ser777Asn (NM_001290065.2); c.4442G>A, p.Ser1481Asn (NM_001378190.1); c.4568G>A, p.Ser1523Asn (NM_001378191.1); c.4463G>A, p.Ser1488Asn (NM_001378192.1); c.4382G>A, p.Ser1461Asn (NM_001378193.1); and 11 more; short protein forms S1332N, S1390N, S1461N, S1523N, S1526N, S1370N, S1397N, S1432N.
Identifiers: ClinVar variation 3019044 (VCV003019044.3), dbSNP rs1298977083, ClinGen allele CA353533876.

ClinVar aggregate classification (germline): Uncertain significance (1 of 4 stars; one submission).

Allele frequency attached by ClinVar (database versions not stated): gnomAD exomes below 0.00001; gnomAD 0.00003; TOPMed 0.00003.
gnomAD v4.1: 12 of 1,613,950 alleles (0.00074%); highest among the groups gnomAD compares: African/African-American, 0.0013%; no homozygotes.

Submission:

Labcorp Genetics (formerly Invitae), Labcorp
Classification: Uncertain significance. Last evaluated: 2024-02-22. Review status: criteria provided, single submitter. Criteria: Invitae Variant Classification Sherloc (09022015). Collection method: clinical testing. Allele origin: germline.
Comment: This sequence change replaces serine, which is neutral and polar, with asparagine, which is neutral and polar, at codon 1370 of the ROBO2 protein (p.Ser1370Asn). This variant is present in population databases (no rsID available, gnomAD 0.02%). This variant has not been reported in the literature in individuals affected with ROBO2-related conditions. Advanced modeling of protein sequence and biophysical properties (such as structural, functional, and spatial information, amino acid conservation, physicochemical variation, residue mobility, and thermodynamic stability) performed at Invitae indicates that this missense variant is not expected to disrupt ROBO2 protein function with a negative predictive value of 95%. In summary, the available evidence is currently insufficient to determine the role of this variant in disease. Therefore, it has been classified as a Variant of Uncertain Significance.